The following is an entry in ClinVar:

NM_001913.5(CUX1):c.1699A>G (p.Thr567Ala)

Gene: CUX1 (cut like homeobox 1; plus strand). Cytogenetic location: 7q22.1.
Variant type: single nucleotide variant.
Coding change: c.1699A>G on transcript NM_001913.5 (MANE Plus Clinical); coding-DNA position 1699, A replaced by G.
Protein change: p.Thr567Ala; replaces threonine 567 with alanine.
Molecular consequence: missense variant.
Genome position (GRCh38, 1-based): chr7:102,280,055, A>G. VCF-style: chr7-102280055-A-G. GRCh37 (hg19) VCF-style: chr7-101923347-A-G.
Other names: c.1651A>G, p.Thr551Ala (NM_001202544.3); c.1561A>G, p.Thr521Ala (NM_001202545.3); c.1582A>G, p.Thr528Ala (NM_001202546.3); c.1693A>G, p.Thr565Ala (NM_181500.4); short protein forms T521A, T528A, T551A, T565A, T567A.
Identifiers: ClinVar variation 2657883 (VCV002657883.23), dbSNP rs572183049, ClinGen allele CA4411763.

ClinVar aggregate classification (germline): Likely benign. Review status: criteria provided, single submitter (1 of 4 stars). 2 submissions from 2 submitters: Likely benign (1). 1 of the submissions does not count toward it. Last evaluated 2024-11-01.

Conditions:
CUX1-related disorder. Also called: CUX1-related condition.

Allele frequency attached by ClinVar (database versions not stated): gnomAD exomes 0.00044; 1000 Genomes Project 0.00200; 1000 Genomes Project 30x 0.00219; gnomAD 0.00027; TOPMed 0.00005; ExAC 0.00108.
gnomAD v4.1: 686 of 1,609,474 alleles (0.043%); highest among the groups gnomAD compares: South Asian, 0.72%; 11 homozygotes.

Submissions (2):

CeGaT Center for Human Genetics Tuebingen
Classification: Likely benign. Last evaluated: 2024-11-01. Review status: criteria provided, single submitter. Criteria: CeGaT Center For Human Genetics Tuebingen Variant Classification Criteria Version 2. Collection method: clinical testing. Allele origin: germline. Affected: yes. Observed: 2 variant alleles.
Comment: CUX1: PP2, BP4, BS1

PreventionGenetics, part of Exact Sciences
Classification: Likely benign for CUX1-related condition. Last evaluated: 2019-07-01. Review status: no assertion criteria provided. Collection method: clinical testing. Allele origin: germline. Not counted in ClinVar's aggregate classification.
Comment: This variant is classified as likely benign based on ACMG/AMP sequence variant interpretation guidelines (Richards et al. 2015 PMID: 25741868, with internal and published modifications).